The following is an entry in ClinVar:

NM_153741.2(DPM3):c.-5-80C>G

Gene: DPM3 (dolichyl-phosphate mannosyltransferase subunit 3, regulatory; minus strand). Cytogenetic location: 1q22.
Variant type: single nucleotide variant.
Coding change: c.-5-80C>G on transcript NM_153741.2 (MANE Select); 80 bases into the intron before 5 bases upstream of the start codon, C replaced by G.
Molecular consequence: intron variant. On other transcripts: synonymous variant (1).
Genome position (GRCh38, 1-based): chr1:155,140,325, G>C on the plus strand (C>G on the coding strand, the complement: DPM3 is on the minus strand). VCF-style: chr1-155140325-G-C. GRCh37 (hg19) VCF-style: chr1-155112801-G-C.
Other names: c.6C>G, p.Leu2= (NM_018973.4).
Identifiers: ClinVar variation 384058 (VCV000384058.2), dbSNP rs921924553, ClinGen allele CA16603458.

ClinVar aggregate classification (germline): Likely benign. Review status: criteria provided, multiple submitters, no conflicts (2 of 4 stars). 2 submissions from 2 submitters: Likely benign (2). Last evaluated 2023-11-27.

Allele frequency attached by ClinVar (database versions not stated): TOPMed 0.00002.

Submissions (2):

Blueprint Genetics
Classification: Likely benign. Last evaluated: 2023-11-27. Review status: criteria provided, single submitter. Criteria: ACMG Guidelines, 2015. Collection method: clinical testing. Allele origin: germline.

GeneDx
Classification: Likely benign. Last evaluated: 2016-03-07. Review status: criteria provided, single submitter. Criteria: GeneDx Variant Classification (06012015). Collection method: clinical testing. Allele origin: germline. Affected: yes.
Comment: This variant is considered likely benign or benign based on one or more of the following criteria: it is a conservative change, it occurs at a poorly conserved position in the protein, it is predicted to be benign by multiple in silico algorithms, and/or has population frequency not consistent with disease.